The following is an entry in ClinVar:

ClinVar aggregate classification (germline): Uncertain significance (1 of 4 stars; one submission).

Conditions:
Neuronal ceroid lipofuscinosis. Also called: Neuronal Ceroid Lipofuscinoses. Identifiers: Orphanet 216, Orphanet 79263, MedGen C0027877, MONDO:0016295. Disease mechanism: loss of function.

Submission:

Labcorp Genetics (formerly Invitae), Labcorp
Classification: Uncertain significance for Neuronal ceroid lipofuscinosis. Last evaluated: 2022-01-31. Review status: criteria provided, single submitter. Criteria: Invitae Variant Classification Sherloc (09022015). Collection method: clinical testing. Allele origin: germline.
Comment: This variant has not been reported in the literature in individuals affected with CLN8-related conditions. In summary, the available evidence is currently insufficient to determine the role of this variant in disease. Therefore, it has been classified as a Variant of Uncertain Significance. Advanced modeling of protein sequence and biophysical properties (such as structural, functional, and spatial information, amino acid conservation, physicochemical variation, residue mobility, and thermodynamic stability) performed at Invitae indicates that this missense variant is not expected to disrupt CLN8 protein function. ClinVar contains an entry for this variant (Variation ID: 946754). This variant is not present in population databases (gnomAD no frequency). This sequence change replaces valine, which is neutral and non-polar, with phenylalanine, which is neutral and non-polar, at codon 206 of the CLN8 protein (p.Val206Phe).

NM_018941.4(CLN8):c.616G>T (p.Val206Phe)

Gene: CLN8 (CLN8 transmembrane ER and ERGIC protein; plus strand). Cytogenetic location: 8p23.3.
Variant type: single nucleotide variant.
Coding change: c.616G>T on transcript NM_018941.4 (MANE Select); coding-DNA position 616, G replaced by T.
Protein change: p.Val206Phe; replaces valine 206 with phenylalanine.
Molecular consequence: missense variant.
Genome position (GRCh38, 1-based): chr8:1,780,322, G>T. VCF-style: chr8-1780322-G-T. GRCh37 (hg19) VCF-style: chr8-1728488-G-T.
Other names: short protein forms V206F.
Identifiers: ClinVar variation 946754 (VCV000946754.7), dbSNP rs751249766, ClinGen allele CA369953963.